The following is an entry in ClinVar:

NM_199342.4(SVBP):c.22G>T (p.Glu8Ter)

Gene: SVBP (small vasohibin binding protein; minus strand). Cytogenetic location: 1p34.2.
Variant type: single nucleotide variant.
Coding change: c.22G>T on transcript NM_199342.4 (MANE Select); coding-DNA position 22, G replaced by T.
Protein change: p.Glu8Ter; replaces glutamic acid 8 with a stop codon.
Molecular consequence: nonsense.
Genome position (GRCh38, 1-based): chr1:42,816,523, C>A on the plus strand (G>T on the coding strand, the complement: SVBP is on the minus strand). VCF-style: chr1-42816523-C-A. GRCh37 (hg19) VCF-style: chr1-43282194-C-A.
Other names: short protein forms E8*.
Identifiers: ClinVar variation 4278942 (VCV004278942.1).
Genomic context (GRCh38, chr1:42,816,523, plus strand): 5'-GGGCTGATTTCTGTTTGGCCTTCTCAACTCTGCTGACAGATTCTTTAACTTTGGTTTTTT[C>A]TTTACGTGCAGGTGGATCCATGGCTTGACTTCTGGATATTTCTTAGGAGGCTCTGATCTG-3'

ClinVar aggregate classification (germline): Likely pathogenic (1 of 4 stars; one submission).

Conditions:
Neurodevelopmental disorder with ataxia, hypotonia, and microcephaly. Also called: IQBAL NEURODEVELOPMENTAL SYNDROME. Identifiers: MedGen C5231413, MONDO:0032816, OMIM 618569.

Submission:

Kasturba Medical College, Manipal, Kasturba Medical College, Manipal, Manipal Academy of Higher Education, Manipal, India
Classification: Likely pathogenic for Neurodevelopmental disorder with ataxia, hypotonia, and microcephaly. Review status: criteria provided, single submitter. Criteria: ACMG Guidelines, 2015. Collection method: research. Allele origin: biparental. Inheritance: Autosomal recessive inheritance. Affected: yes. Observed: 1 homozygote.
Comment: This variant is not reported in homozygous and/or heterozygous state in the gnomAD (v4.1.0) population database and in our in-house exome database of 3728 individuals. This variant is predicted to introduce a premature termination codon, which may either trigger nonsense-mediated mRNA decay or result in a truncated protein product.